The following is an entry in ClinVar:

ClinVar aggregate classification (germline): Uncertain significance. Review status: criteria provided, multiple submitters, no conflicts (2 of 4 stars). 2 submissions from 2 submitters: Uncertain significance (2). Last evaluated 2025-12-02.

Submissions (2):

Labcorp Genetics (formerly Invitae), Labcorp
Classification: Uncertain significance. Last evaluated: 2025-12-02. Review status: criteria provided, single submitter. Criteria: Invitae Variant Classification Sherloc (09022015). Collection method: clinical testing. Allele origin: germline.
Comment: This variant, c.1668_1670del, results in the deletion of 1 amino acid(s) of the TTLL5 protein (p.Arg557del), but otherwise preserves the integrity of the reading frame. This variant is present in population databases (rs770605045, gnomAD 0.004%). This variant has not been reported in the literature in individuals affected with TTLL5-related conditions. Experimental studies and prediction algorithms are not available or were not evaluated, and the functional significance of this variant is currently unknown. Algorithms developed to predict the effect of sequence changes on RNA splicing suggest that this variant may create or strengthen a splice site. In summary, the available evidence is currently insufficient to determine the role of this variant in disease. Therefore, it has been classified as a Variant of Uncertain Significance.

Blueprint Genetics
Classification: Uncertain significance. Last evaluated: 2022-09-30. Review status: criteria provided, single submitter. Criteria: ACMG Guidelines, 2015. Collection method: clinical testing. Allele origin: germline.

NM_015072.5(TTLL5):c.1665ACG[1] (p.Arg557del)

Gene: TTLL5 (tubulin tyrosine ligase like 5; plus strand). Cytogenetic location: 14q24.3.
Variant type: Microsatellite.
Coding change: c.1665ACG[1] on transcript NM_015072.5 (MANE Select); one copy of the 3-base unit ACG starting at c.1665; the reference has two copies in a row; one copy, 3 bases deleted.
Protein change: p.Arg557del; deletes arginine 557.
Molecular consequence: inframe deletion.
Genome position (GRCh38, 1-based): chr14:75,764,732-75,764,734, ACG deleted; deleting any 3 consecutive bases within chr14:75,764,728-75,764,734 gives the same sequence; the position shown is the placement nearest the transcript's 3' end. VCF-style (leftmost placement, unchanged base first): chr14-75764727-AGAC-A. GRCh37 (hg19) VCF-style: chr14-76231070-AGAC-A.
Other names: short protein forms R557del.
Identifiers: ClinVar variation 2062814 (VCV002062814.4), dbSNP rs770605045, ClinGen allele CA7279482.
Genomic context (GRCh38, chr14:75,764,727, plus strand): 5'-GCCAAGCTGCATGCTGCACTTTACGAGAGGAAGCTCCTGTCTCTGGAGGTGCGAAAACGT[AGAC>A]GACGGAGTAGCAGATTGAGGGCAATGAGGCCAAAATACCCAGGTACCTGCTGGTGAGCTT-3'